The following is an entry in ClinVar:

NM_001378120.1(MBD5):c.3766G>T (p.Glu1256Ter)

Gene: MBD5 (methyl-CpG binding domain protein 5; plus strand). Cytogenetic location: 2q23.1.
Variant type: single nucleotide variant.
Coding change: c.3766G>T on transcript NM_001378120.1 (MANE Select); coding-DNA position 3766, G replaced by T.
Protein change: p.Glu1256Ter; replaces glutamic acid 1256 with a stop codon.
Molecular consequence: nonsense.
Genome position (GRCh38, 1-based): chr2:148,489,398, G>T. VCF-style: chr2-148489398-G-T. GRCh37 (hg19) VCF-style: chr2-149246967-G-T.
Other names: c.3067G>T, p.Glu1023Ter (NM_018328.5); short protein forms E1023*, E1256*.
Identifiers: ClinVar variation 423524 (VCV000423524.2), dbSNP rs1064796473, ClinGen allele CA16617236.
Genomic context (GRCh38, chr2:148,489,398, plus strand): 5'-TCAAAATTATTTCCCTTTCTCTCACTGCTTCCTGTCTATTTCTTCAAGGTGAGAATGCAG[G>T]AAGATGCAGCTCTCCTAAACAAAAGAATAAGCACTCAGCCTGGGCTCACAGCACTTCCTG-3'

ClinVar aggregate classification (germline): Likely pathogenic (1 of 4 stars; one submission).

Submission:

GeneDx
Classification: Likely pathogenic. Last evaluated: 2017-02-14. Review status: criteria provided, single submitter. Criteria: GeneDx Variant Classification (06012015). Collection method: clinical testing. Allele origin: germline. Affected: yes.
Comment: An E1023X variant that is likely pathogenic has been identified in the MBD5 gene. The E1023X variant has not been published as a pathogenic variant, nor has it been reported as a benign variant to our knowledge. The E1023X variant is not observed in large population cohorts (Lek et al., 2016; 1000 Genomes Consortium et al., 2015; Exome Variant Server). The E1023X nonsense variant is predicted to cause loss of normal protein function either through protein truncation or nonsense-mediated mRNA decay. Therefore, this variant is likely pathogenic; however, the possibility that it is benign cannot be excluded.